The following is an entry in ClinVar:

ClinVar aggregate classification (germline): Conflicting classifications of pathogenicity. Review status: criteria provided, conflicting classifications (1 of 4 stars). 4 submissions from 4 submitters: Uncertain significance (1); Benign (1); Likely benign (2). Last evaluated 2025-12-18.

Conditions:
Inborn genetic diseases. Identifiers: MedGen C0950123, MeSH D030342.
Fibrous dysplasia of jaw (CRBM). Also called: Cherubism. Identifiers: Orphanet 184, MedGen C0008029, MONDO:0007315, OMIM 118400.

Allele frequency attached by ClinVar (database versions not stated): gnomAD exomes 0.00014 and 0.00018; gnomAD 0.00015 and 0.00016; ExAC 0.00016; TOPMed 0.00018; ESP Exome Variant Server 0.00023.
gnomAD v4.1: 287 of 1,614,080 alleles (0.018%); highest among the groups gnomAD compares: Non-Finnish European, 0.023%; no homozygotes.

Submissions (4):

Labcorp Genetics (formerly Invitae), Labcorp
Classification: Likely benign for Fibrous dysplasia of jaw. Last evaluated: 2025-12-18. Review status: criteria provided, single submitter. Criteria: Invitae Variant Classification Sherloc (09022015). Collection method: clinical testing. Allele origin: germline.

Blueprint Genetics
Classification: Likely benign. Last evaluated: 2024-11-06. Review status: criteria provided, single submitter. Criteria: ACMG Guidelines, 2015. Collection method: clinical testing. Allele origin: germline.

Ambry Genetics
Classification: Uncertain significance for Inborn genetic diseases. Last evaluated: 2021-06-21. Review status: criteria provided, single submitter. Criteria: Ambry Variant Classification Scheme 2023. Collection method: clinical testing. Allele origin: germline.

Illumina Laboratory Services, Illumina
Classification: Benign for Fibrous dysplasia of jaw. Last evaluated: 2018-01-13. Review status: criteria provided, single submitter. Criteria: ICSL Variant Classification Criteria 13 December 2019. Collection method: clinical testing. Allele origin: germline.
Comment: This variant was observed in the ICSL laboratory as part of a predisposition screen in an ostensibly healthy population. It had not been previously curated by ICSL or reported in the Human Gene Mutation Database (HGMD: prior to June 1st, 2018), and was therefore a candidate for classification through an automated scoring system. Utilizing variant allele frequency, disease prevalence and penetrance estimates, and inheritance mode, an automated score was calculated to assess if this variant is too frequent to cause the disease. Based on the score and internal cut-off values, a variant classified as benign is not then subjected to further curation. The score for this variant resulted in a classification of benign for this disease.

NM_001122681.2(SH3BP2):c.472C>T (p.Arg158Trp)

Gene: SH3BP2 (SH3 domain binding protein 2; plus strand). Cytogenetic location: 4p16.3.
Variant type: single nucleotide variant.
Coding change: c.472C>T on transcript NM_001122681.2 (MANE Select); coding-DNA position 472, C replaced by T.
Protein change: p.Arg158Trp; replaces arginine 158 with tryptophan.
Molecular consequence: missense variant.
Genome position (GRCh38, 1-based): chr4:2,827,273, C>T. VCF-style: chr4-2827273-C-T. GRCh37 (hg19) VCF-style: chr4-2829000-C-T.
Other names: c.472C>T, p.Arg158Trp (LRG_1334t1, NM_003023.4); c.556C>T, p.Arg186Trp (LRG_1334t2, NM_001145855.2); c.643C>T, p.Arg215Trp (NM_001145856.2); short protein forms R158W, R186W, R215W.
Identifiers: ClinVar variation 348575 (VCV000348575.15), dbSNP rs200463050, ClinGen allele CA2819186.
Genomic context (GRCh38, chr4:2,827,273, plus strand): 5'-CGCACCCTGCATTGCAGCGACTCCAGCTCGGACACAGACAGCTTCTACGGCGCAGTTGAG[C>T]GGCCTGTGGATATCAGCCTTTCCCCGTACCCCACGGACAATGAAGGTGAGGTCTTTCTCC-3'
Protein context (NP_001116153.1, residues 148-168): DTDSFYGAVE[Arg158Trp]PVDISLSPYP